The following is an entry in ClinVar:

NM_001099293.3(KIF4B):c.1534A>G (p.Thr512Ala)

Gene: KIF4B (kinesin family member 4B; plus strand). Cytogenetic location: 5q33.2.
Variant type: single nucleotide variant.
Coding change: c.1534A>G on transcript NM_001099293.3 (MANE Select); coding-DNA position 1534, A replaced by G.
Protein change: p.Thr512Ala; replaces threonine 512 with alanine.
Molecular consequence: missense variant.
Genome position (GRCh38, 1-based): chr5:155,015,393, A>G. VCF-style: chr5-155015393-A-G. GRCh37 (hg19) VCF-style: chr5-154394953-A-G.
Other names: short protein forms T512A.
Identifiers: ClinVar variation 3041807 (VCV003041807.2), dbSNP rs200070580, ClinGen allele CA3530046.

ClinVar aggregate classification (germline): Likely benign (0 of 4 stars; one submission).

Conditions:
KIF4B-related disorder. Also called: KIF4B-related condition.

Allele frequency attached by ClinVar (database versions not stated): 1000 Genomes Project 0.00140; 1000 Genomes Project 30x 0.00141; ExAC 0.00238; TOPMed 0.00254; gnomAD 0.00285; ESP Exome Variant Server 0.00369; gnomAD exomes 0.00421.

Submission:

PreventionGenetics, part of Exact Sciences
Classification: Likely benign for KIF4B-related condition. Last evaluated: 2020-03-23. Review status: no assertion criteria provided. Collection method: clinical testing. Allele origin: germline.
Comment: This variant is classified as likely benign based on ACMG/AMP sequence variant interpretation guidelines (Richards et al. 2015 PMID: 25741868, with internal and published modifications).